The following is an entry in ClinVar:

ClinVar aggregate classification (germline): Uncertain significance (1 of 4 stars; one submission).

Allele frequency attached by ClinVar (database versions not stated): gnomAD exomes below 0.00001; TOPMed below 0.00001; gnomAD 0.00001.
gnomAD v4.1: 6 of 1,489,280 alleles (0.0004%); highest among the groups gnomAD compares: Non-Finnish European, 0.00054%; no homozygotes.

Submission:

Labcorp Genetics (formerly Invitae), Labcorp
Classification: Uncertain significance. Last evaluated: 2024-12-24. Review status: criteria provided, single submitter. Criteria: Invitae Variant Classification Sherloc (09022015). Collection method: clinical testing. Allele origin: germline.
Comment: This sequence change replaces glutamic acid, which is acidic and polar, with lysine, which is basic and polar, at codon 427 of the CAMK2B protein (p.Glu427Lys). This variant is present in population databases (no rsID available, gnomAD 0.007%). This variant has not been reported in the literature in individuals affected with CAMK2B-related conditions. ClinVar contains an entry for this variant (Variation ID: 1347325). An algorithm developed to predict the effect of missense changes on protein structure and function outputs the following: PolyPhen-2: "Benign". The lysine amino acid residue is found in multiple mammalian species, which suggests that this missense change does not adversely affect protein function. In summary, the available evidence is currently insufficient to determine the role of this variant in disease. Therefore, it has been classified as a Variant of Uncertain Significance.

NM_001220.5(CAMK2B):c.1279G>A (p.Glu427Lys)

Gene: CAMK2B (calcium/calmodulin dependent protein kinase II beta; minus strand). Cytogenetic location: 7p13.
Variant type: single nucleotide variant.
Coding change: c.1279G>A on transcript NM_001220.5 (MANE Select); coding-DNA position 1279, G replaced by A.
Protein change: p.Glu427Lys; replaces glutamic acid 427 with lysine.
Molecular consequence: missense variant. On other transcripts: intron variant (8).
Genome position (GRCh38, 1-based): chr7:44,229,448, C>T on the plus strand (G>A on the coding strand, the complement: CAMK2B is on the minus strand). VCF-style: chr7-44229448-C-T. GRCh37 (hg19) VCF-style: chr7-44269047-C-T.
Other names: c.947-8547G>A (NM_172084.3); c.1150+1558G>A (NM_172080.3); c.1036+1558G>A (NM_172083.3); c.1108+1558G>A (NM_172081.3); c.1153+1558G>A (NM_172079.3, NM_172082.3); c.1225+1558G>A (NM_001293170.2, NM_172078.3); short protein forms E427K.
Identifiers: ClinVar variation 1347325 (VCV001347325.6), dbSNP rs1158203436, ClinGen allele CA367374502.